The following is an entry in ClinVar:

NM_198253.3(TERT):c.2287G>A (p.Val763Ile)

Gene: TERT (telomerase reverse transcriptase; minus strand). Cytogenetic location: 5p15.33.
Variant type: single nucleotide variant.
Coding change: c.2287G>A on transcript NM_198253.3 (MANE Select); coding-DNA position 2287, G replaced by A.
Protein change: p.Val763Ile; replaces valine 763 with isoleucine.
Molecular consequence: missense variant.
Genome position (GRCh38, 1-based): chr5:1,272,280, C>T on the plus strand (G>A on the coding strand, the complement: TERT is on the minus strand). VCF-style: chr5-1272280-C-T. GRCh37 (hg19) VCF-style: chr5-1272395-C-T.
Other names: c.2287G>A, p.Val763Ile (NM_001193376.3); short protein forms V763I.
Identifiers: ClinVar variation 4182773 (VCV004182773.1).

ClinVar aggregate classification (germline): Uncertain significance (1 of 4 stars; one submission).

Conditions:
Dyskeratosis congenita. Identifiers: Orphanet 1775, MedGen C0265965, MONDO:0015780.

Submission:

Ambry Genetics
Classification: Uncertain significance for Dyskeratosis congenita. Last evaluated: 2025-06-18. Review status: criteria provided, single submitter. Criteria: Ambry Variant Classification Scheme 2023. Collection method: clinical testing. Allele origin: germline.
Comment: The p.V763I variant (also known as c.2287G>A) is located in coding exon 7 of the TERT gene. The valine at codon 763 is replaced by isoleucine, an amino acid with highly similar properties. This change occurs in the first base pair of coding exon 7. This amino acid position is conserved. In addition, the in silico prediction for this alteration is inconclusive. Based on the available evidence, the clinical significance of this variant remains unclear.